The following is an entry in ClinVar:

ClinVar aggregate classification (germline): Benign. Review status: criteria provided, multiple submitters, no conflicts (2 of 4 stars). 3 submissions from 3 submitters: Benign (3). Last evaluated 2026-01-08.

Allele frequency attached by ClinVar (database versions not stated): gnomAD exomes 0.00075 and 0.00203; ExAC 0.00240; 1000 Genomes Project 30x 0.00609; 1000 Genomes Project 0.00619; ESP Exome Variant Server 0.00807; gnomAD 0.00823 and 0.00888; TOPMed 0.00902.
gnomAD v4.1: 2,385 of 1,607,120 alleles (0.15%); highest among the groups gnomAD compares: African/African-American, 2.8%; 28 homozygotes.

Submissions (3):

Labcorp Genetics (formerly Invitae), Labcorp
Classification: Benign. Last evaluated: 2026-01-08. Review status: criteria provided, single submitter. Criteria: Invitae Variant Classification Sherloc (09022015). Collection method: clinical testing. Allele origin: germline.

GeneDx
Classification: Benign. Last evaluated: 2018-08-17. Review status: criteria provided, single submitter. Criteria: GeneDx Variant Classification Process June 2021. Collection method: clinical testing. Allele origin: germline. Affected: yes.

Laboratory for Molecular Medicine, Mass General Brigham Personalized Medicine
Classification: Benign. Last evaluated: 2014-11-24. Review status: criteria provided, single submitter. Criteria: LMM Criteria. Collection method: clinical testing. Allele origin: germline. Observed: 5 variant alleles.
Comment: Pro178Pro in exon 3 of TSPEAR: This variant is not expected to have clinical sig nificance because it does not alter an amino acid residue and is not located wit hin the splice consensus sequence. It has been identified in 2.4% (104/4358) of African American chromosomes from a broad population by the NHLBI Exome Sequenci ng Project (dbSNP rs148713881).

NM_144991.3(TSPEAR):c.534G>A (p.Pro178=)

Gene: TSPEAR (thrombospondin type laminin G domain and EAR repeats; minus strand). Cytogenetic location: 21q22.3.
Variant type: single nucleotide variant.
Coding change: c.534G>A on transcript NM_144991.3 (MANE Select); coding-DNA position 534, G replaced by A.
Protein change: p.Pro178=; no amino-acid change (proline 178 retained).
Molecular consequence: synonymous variant.
Genome position (GRCh38, 1-based): chr21:44,533,693, C>T on the plus strand (G>A on the coding strand, the complement: TSPEAR is on the minus strand). VCF-style: chr21-44533693-C-T. GRCh37 (hg19) VCF-style: chr21-45953576-C-T.
Other names: c.330G>A, p.Pro110= (NM_001272037.2).
Identifiers: ClinVar variation 227137 (VCV000227137.16), dbSNP rs148713881, ClinGen allele CA10056990.